The following is an entry in ClinVar:

NM_001001563.5(TIMM50):c.593G>T (p.Gly198Val)

Gene: TIMM50 (translocase of inner mitochondrial membrane 50; plus strand). Cytogenetic location: 19q13.2.
Variant type: single nucleotide variant.
Coding change: c.593G>T on transcript NM_001001563.5 (MANE Select); coding-DNA position 593, G replaced by T.
Protein change: p.Gly198Val; replaces glycine 198 with valine.
Molecular consequence: missense variant.
Genome position (GRCh38, 1-based): chr19:39,486,287, G>T. VCF-style: chr19-39486287-G-T. GRCh37 (hg19) VCF-style: chr19-39976927-G-T.
Other names: c.254G>T, p.Gly85Val (NM_001329559.2); short protein forms G85V, G198V.
Identifiers: ClinVar variation 1918013 (VCV001918013.3), dbSNP rs757263916, ClinGen allele CA9431884.

ClinVar aggregate classification (germline): Uncertain significance (1 of 4 stars; one submission).

Allele frequency attached by ClinVar (database versions not stated): gnomAD exomes below 0.00001; gnomAD 0.00001; TOPMed 0.00001; ExAC 0.00002.
gnomAD v4.1: 3 of 1,613,850 alleles (0.00019%); highest among the groups gnomAD compares: Admixed American, 0.0017%; no homozygotes.

Submission:

Labcorp Genetics (formerly Invitae), Labcorp
Classification: Uncertain significance. Last evaluated: 2022-03-22. Review status: criteria provided, single submitter. Criteria: Invitae Variant Classification Sherloc (09022015). Collection method: clinical testing. Allele origin: germline.
Comment: In summary, the available evidence is currently insufficient to determine the role of this variant in disease. Therefore, it has been classified as a Variant of Uncertain Significance. Algorithms developed to predict the effect of missense changes on protein structure and function are either unavailable or do not agree on the potential impact of this missense change (SIFT: "Not Available"; PolyPhen-2: "Probably Damaging"; Align-GVGD: "Not Available"). This variant has not been reported in the literature in individuals affected with TIMM50-related conditions. This variant is present in population databases (rs757263916, gnomAD 0.0009%). This sequence change replaces glycine, which is neutral and non-polar, with valine, which is neutral and non-polar, at codon 301 of the TIMM50 protein (p.Gly301Val).